The following is an entry in ClinVar:

NM_020779.4(WDR35):c.2394C>T (p.Tyr798=)

Gene: WDR35 (WD repeat domain 35; minus strand). Cytogenetic location: 2p24.1.
Variant type: single nucleotide variant.
Coding change: c.2394C>T on transcript NM_020779.4 (MANE Select); coding-DNA position 2394, C replaced by T.
Protein change: p.Tyr798=; no amino-acid change (tyrosine 798 retained).
Molecular consequence: synonymous variant.
Genome position (GRCh38, 1-based): chr2:19,936,239, G>A on the plus strand (C>T on the coding strand, the complement: WDR35 is on the minus strand). VCF-style: chr2-19936239-G-A. GRCh37 (hg19) VCF-style: chr2-20136000-G-A.
Other names: c.2427C>T, p.Tyr809= (NM_001006657.2).
Identifiers: ClinVar variation 3053531 (VCV003053531.2), dbSNP rs1420154136, ClinGen allele CA425117108.

ClinVar aggregate classification (germline): Likely benign (0 of 4 stars; one submission).

Conditions:
WDR35-related disorder. Also called: WDR35-related disorders; WDR35-related condition. Identifiers: MedGen CN239419.

Allele frequency attached by ClinVar (database versions not stated): TOPMed below 0.00001; gnomAD 0.00001.
gnomAD v4.1: 2 of 1,613,854 alleles (0.00012%); highest among the groups gnomAD compares: Non-Finnish European, 0.00017%; no homozygotes.

Submission:

PreventionGenetics, part of Exact Sciences
Classification: Likely benign for WDR35-related condition. Last evaluated: 2022-02-28. Review status: no assertion criteria provided. Collection method: clinical testing. Allele origin: germline.
Comment: This variant is classified as likely benign based on ACMG/AMP sequence variant interpretation guidelines (Richards et al. 2015 PMID: 25741868, with internal and published modifications).